The following is an entry in ClinVar:

ClinVar aggregate classification (germline): Likely pathogenic. Review status: criteria provided, multiple submitters, no conflicts (2 of 4 stars). 4 submissions from 4 submitters: Likely pathogenic (4). Last evaluated 2024-09-30.

Conditions:
VPS13A-related neurodegenerative disease. Also called: LEVINE-CRITCHLEY SYNDROME; Choreoacanthocytosis; VPS13A Disease; Chorea-acanthocytosis; ACANTHOCYTOSIS WITH NEUROLOGIC DISORDER; Choreaacanthocytosis. Identifiers: Orphanet 2388, MedGen C0393576, MONDO:0008695, OMIM 200150.

Allele frequency attached by ClinVar (database versions not stated): gnomAD exomes below 0.00001.
gnomAD v4.1: 2 of 1,613,160 alleles (0.00012%); highest among the groups gnomAD compares: South Asian, 0.0022%; no homozygotes.

Submissions (4):

Natera, Inc.
Classification: Likely pathogenic for Choreaacanthocytosis. Last evaluated: 2024-09-30. Review status: criteria provided, single submitter. Criteria: Natera Variant Classification Schema (03/2026). Collection method: clinical testing. Allele origin: germline.
Comment: The c.2513-2A>T variant in VPS13A is a canonical splice acceptor site variant predicted to affect pre-mRNA splicing, which may result in an abnormal transcript and altered protein product. This variant is expected to result in nonsense mediated decay, truncation, or a dysfunctional protein product. This variant is rare in the general population with a frequency below the threshold expected for the associated phenotype(s). Given the available evidence, this variant is classified as Likely Pathogenic.

Fulgent Genetics
Classification: Likely pathogenic for VPS13A-related neurodegenerative disease. Last evaluated: 2024-02-10. Review status: criteria provided, single submitter. Criteria: ACMG Guidelines, 2015. Collection method: clinical testing. Allele origin: germline.

Labcorp Genetics (formerly Invitae), Labcorp
Classification: Likely pathogenic. Last evaluated: 2024-01-16. Review status: criteria provided, single submitter. Criteria: Invitae Variant Classification Sherloc (09022015). Collection method: clinical testing. Allele origin: germline.
Comment: This sequence change affects an acceptor splice site in intron 24 of the VPS13A gene. It is expected to disrupt RNA splicing. Variants that disrupt the donor or acceptor splice site typically lead to a loss of protein function (PMID: 16199547), and loss-of-function variants in VPS13A are known to be pathogenic (PMID: 12404112, 21598378). This variant is not present in population databases (gnomAD no frequency). This variant has not been reported in the literature in individuals affected with VPS13A-related conditions. ClinVar contains an entry for this variant (Variation ID: 452465). Algorithms developed to predict the effect of sequence changes on RNA splicing suggest that this variant may disrupt the consensus splice site. In summary, the currently available evidence indicates that the variant is pathogenic, but additional data are needed to prove that conclusively. Therefore, this variant has been classified as Likely Pathogenic.

GeneDx
Classification: Likely pathogenic. Last evaluated: 2019-10-18. Review status: criteria provided, single submitter. Criteria: GeneDx Variant Classification Process June 2021. Collection method: clinical testing. Allele origin: germline. Affected: yes.
Comment: Canonical splice site variant in a gene for which loss-of-function is a known mechanism of disease; Not observed in large population cohorts (Lek et al., 2016); Has not been previously published as pathogenic or benign to our knowledge

Literature cited by the submitters: PubMed 16199547 (cited by Labcorp Genetics (formerly Invitae), Labcorp); PubMed 12404112 (cited by Labcorp Genetics (formerly Invitae), Labcorp); PubMed 21598378 (cited by Labcorp Genetics (formerly Invitae), Labcorp).

NM_033305.3(VPS13A):c.2513-2A>T

Gene: VPS13A (vacuolar protein sorting 13 homolog A; plus strand). Cytogenetic location: 9q21.2.
Variant type: single nucleotide variant.
Coding change: c.2513-2A>T on transcript NM_033305.3 (MANE Select); the canonical splice acceptor site of the intron before coding-DNA position 2513, A replaced by T.
Molecular consequence: splice acceptor variant.
Genome position (GRCh38, 1-based): chr9:77,275,496, A>T. VCF-style: chr9-77275496-A-T. GRCh37 (hg19) VCF-style: chr9-79890412-A-T.
Other names: c.2513-2A>T (NM_001018037.2, NM_015186.4, NM_001018038.3).
Identifiers: ClinVar variation 452465 (VCV000452465.14), dbSNP rs1037030970, ClinGen allele CA194373070.